The following is an entry in ClinVar:

NM_000138.5(FBN1):c.4022A>G (p.Asn1341Ser)

Gene: FBN1 (fibrillin 1; minus strand). Cytogenetic location: 15q21.1.
Variant type: single nucleotide variant.
Coding change: c.4022A>G on transcript NM_000138.5 (MANE Select); coding-DNA position 4022, A replaced by G.
Protein change: p.Asn1341Ser; replaces asparagine 1341 with serine.
Molecular consequence: missense variant.
Genome position (GRCh38, 1-based): chr15:48,474,593, T>C on the plus strand (A>G on the coding strand, the complement: FBN1 is on the minus strand). VCF-style: chr15-48474593-T-C. GRCh37 (hg19) VCF-style: chr15-48766790-T-C.
Other names: short protein forms N1341S.
Identifiers: ClinVar variation 495603 (VCV000495603.15), dbSNP rs140638, ClinGen allele CA269520550.
Genomic context (GRCh38, chr15:48,474,593, plus strand): 5'-CACTTAATGCCATCTCCAATCCACCCGGGACTGCAGCTACATTTGAAGCTTCCTGCTGTA[T>C]TGGTACATACAGCATGTTTGCCACAGTTGTGTGCTCCAATTTCACATTCATTGATGTCTG-3'
Protein context (NP_000129.3, residues 1331-1351): HNCGKHAVCT[Asn1341Ser]TAGSFKCSCS

ClinVar aggregate classification (germline): Conflicting classifications of pathogenicity. Review status: criteria provided, conflicting classifications (1 of 4 stars). 7 submissions from 7 submitters: Pathogenic (2); Likely pathogenic (4); Uncertain significance (1). Last evaluated 2024-09-04.

Conditions:
FBN1-related disorder. Also called: FBN1-related disorders.
Marfan syndrome (MFS). Also called: MARFAN SYNDROME, TYPE I; Marfan syndrome, classic; FBN1-Related Marfan Syndrome; Marfan syndrome type 1; Marfan's syndrome. Identifiers: Orphanet 284963, Orphanet 558, MedGen C0024796, MONDO:0007947, OMIM 154700.
Familial thoracic aortic aneurysm and aortic dissection (TAAD). Also called: Thoracic aortic aneurysms and dissections. Identifiers: Orphanet 91387, MedGen C4707243, MONDO:0019625.

Submissions (7):

GeneDx
Classification: Pathogenic. Last evaluated: 2024-09-04. Review status: criteria provided, single submitter. Criteria: GeneDx Variant Classification Process June 2021. Collection method: clinical testing. Allele origin: germline. Affected: yes.
Comment: Identified in individuals with Marfan syndrome or ectopia lentis referred for genetic testing at GeneDx or in published literature (PMID: 10464652, 27611364, 31098894, 31536524); Not observed at significant frequency in large population cohorts (gnomAD); In silico analysis supports that this missense variant has a deleterious effect on protein structure/function; This variant is associated with the following publications: (PMID: 27611364, 24941995, 11875032, 10464652, 31098894, 31536524, 35616356, 36729443, 20591885)

Labcorp Genetics (formerly Invitae), Labcorp
Classification: Pathogenic for Marfan syndrome; Familial thoracic aortic aneurysm and aortic dissection. Last evaluated: 2023-06-24. Review status: criteria provided, single submitter. Criteria: Invitae Variant Classification Sherloc (09022015). Collection method: clinical testing. Allele origin: germline.
Comment: This variant is not present in population databases (gnomAD no frequency). This missense change has been observed in individuals with clinical features of FBN1-related conditions (PMID: 10464652, 27611364, 31098894; Invitae). For these reasons, this variant has been classified as Pathogenic. Advanced modeling of protein sequence and biophysical properties (such as structural, functional, and spatial information, amino acid conservation, physicochemical variation, residue mobility, and thermodynamic stability) performed at Invitae indicates that this missense variant is expected to disrupt FBN1 protein function. ClinVar contains an entry for this variant (Variation ID: 495603). This sequence change replaces asparagine, which is neutral and polar, with serine, which is neutral and polar, at codon 1341 of the FBN1 protein (p.Asn1341Ser).

3billion
Classification: Likely pathogenic for Marfan syndrome. Last evaluated: 2022-01-03. Review status: criteria provided, single submitter. Criteria: ACMG Guidelines, 2015. Collection method: clinical testing. Allele origin: germline. Affected: yes. Observed: 1 heterozygote.
Comment: Same nucleotide change resulting in same amino acid change has been previously reported to be associated with FBN1 related disorder (ClinVar ID: VCV000495603, PS1_P). In silico tool predictions suggest damaging effect of the variant on gene or gene product (REVEL: 0.901, 3CNET: 0.769, PP3_P). It is not observed in the gnomAD v2.1.1 dataset (PM2_M). The variant is located in a well-established functional domain or exonic hotspot, where pathogenic variants have frequently reported (PM1_M). Therefore, this variant is classified as likely pathogenic according to the recommendation of ACMG/AMP guideline.

Blueprint Genetics
Classification: Likely pathogenic for FBN1-related disorders. Last evaluated: 2020-11-19. Review status: criteria provided, single submitter. Criteria: ACMG Guidelines, 2015. Collection method: clinical testing. Allele origin: germline. Affected: yes. Observed: 1 variant allele.

Mendelics
Classification: Likely pathogenic for Marfan syndrome. Last evaluated: 2019-05-28. Review status: criteria provided, single submitter. Criteria: Mendelics Assertion Criteria 2017. Collection method: clinical testing. Allele origin: unknown.

Women's Health and Genetics/Laboratory Corporation of America, LabCorp
Classification: Uncertain significance. Last evaluated: 2016-11-17. Review status: criteria provided, single submitter. Criteria: LabCorp Variant Classification Summary - May 2015. Collection method: clinical testing. Allele origin: germline.
Comment: Variant summary: The FBN1 c.4022A>G (p.Asn1341Ser) variant involves the alteration of a conserved nucleotide. This variant is located within the calcium-binding EGF-like domain and alters one of the three residues that compose the Ca2+ binding site (Handford_2000, McGettrick_2000). Calcium-binding cites are crucial for numerous protein-protein interactions, however, this particular alteration has yet to be functionally assessed. 3/4 in silico tools predict a damaging outcome for this variant (SNPs&GO not captured due to low reliability index). This variant has been reported in at least two patients with classical MFS and is absent from 121328 control chromosomes. Taken together, this variant is classified as VUS-Possibly Pathogenic.

Clinical Genetics Service, Universitary Hospital 12 de Octubre
Classification: Likely pathogenic for Marfan syndrome. Review status: criteria provided, single submitter. Criteria: ACMG Guidelines, 2015. Collection method: clinical testing. Allele origin: germline. Affected: yes.

Literature cited by the submitters: PubMed 10464652 (cited by Labcorp Genetics (formerly Invitae), Labcorp and Women's Health and Genetics/Laboratory Corporation of America, LabCorp); PubMed 27611364 (cited by Labcorp Genetics (formerly Invitae), Labcorp and Women's Health and Genetics/Laboratory Corporation of America, LabCorp); PubMed 31098894 (cited by Labcorp Genetics (formerly Invitae), Labcorp); PubMed 24941995 (cited by Women's Health and Genetics/Laboratory Corporation of America, LabCorp); PubMed 11108952 (cited by Women's Health and Genetics/Laboratory Corporation of America, LabCorp); PubMed 11875032 (cited by Women's Health and Genetics/Laboratory Corporation of America, LabCorp); PubMed 10942427 (cited by Women's Health and Genetics/Laboratory Corporation of America, LabCorp).